The following is an entry in ClinVar:

ClinVar aggregate classification (germline): Uncertain significance. Review status: criteria provided, multiple submitters, no conflicts (2 of 4 stars). 2 submissions from 2 submitters: Uncertain significance (2). Last evaluated 2025-01-13.

Conditions:
PCNT-related disorder. Also called: PCNT-related condition.

Allele frequency attached by ClinVar (database versions not stated): gnomAD 0.00001; gnomAD exomes 0.00001 and 0.00006; TOPMed 0.00001; ExAC 0.00007.
gnomAD v4.1: 23 of 1,570,268 alleles (0.0015%); highest among the groups gnomAD compares: Middle Eastern, 0.018%; no homozygotes.

Submissions (2):

PreventionGenetics, part of Exact Sciences
Classification: Uncertain significance for PCNT-related condition. Last evaluated: 2025-01-13. Review status: criteria provided, single submitter. Criteria: ACMG Guidelines, 2015. Collection method: clinical testing. Allele origin: germline.
Comment: The PCNT c.5756T>C variant is predicted to result in the amino acid substitution p.Leu1919Pro. To our knowledge, this variant has not been reported in the literature. This variant is reported in 0.033% of alleles in individuals of South Asian descent in gnomAD. At this time, the clinical significance of this variant is uncertain due to the absence of conclusive functional and genetic evidence.

Genetic Services Laboratory, University of Chicago
Classification: Uncertain significance. Last evaluated: 2016-01-04. Review status: criteria provided, single submitter. Criteria: ACMG Guidelines, 2015. Collection method: clinical testing. Allele origin: germline. Affected: no.

NM_006031.6(PCNT):c.5756T>C (p.Leu1919Pro)

Gene: PCNT (pericentrin; plus strand). Cytogenetic location: 21q22.3.
Variant type: single nucleotide variant.
Coding change: c.5756T>C on transcript NM_006031.6 (MANE Select); coding-DNA position 5756, T replaced by C.
Protein change: p.Leu1919Pro; replaces leucine 1919 with proline.
Molecular consequence: missense variant.
Genome position (GRCh38, 1-based): chr21:46,411,829, T>C. VCF-style: chr21-46411829-T-C. GRCh37 (hg19) VCF-style: chr21-47831743-T-C.
Other names: c.5402T>C, p.Leu1801Pro (NM_001315529.2); short protein forms L1919P, L1801P.
Identifiers: ClinVar variation 436203 (VCV000436203.7), dbSNP rs755667206, ClinGen allele CA10080083.